The following is an entry in ClinVar:

NM_001098.3(ACO2):c.1472C>T (p.Thr491Met)

Gene: ACO2 (aconitase 2; plus strand). Cytogenetic location: 22q13.2.
Variant type: single nucleotide variant.
Coding change: c.1472C>T on transcript NM_001098.3 (MANE Select); coding-DNA position 1472, C replaced by T.
Protein change: p.Thr491Met; replaces threonine 491 with methionine.
Molecular consequence: missense variant.
Genome position (GRCh38, 1-based): chr22:41,523,931, C>T. VCF-style: chr22-41523931-C-T. GRCh37 (hg19) VCF-style: chr22-41919935-C-T.
Other names: short protein forms T491M.
Identifiers: ClinVar variation 1918622 (VCV001918622.5), dbSNP rs746532454, ClinGen allele CA10257660.
Genomic context (GRCh38, chr22:41,523,931, plus strand): 5'-CCTACAACAGGAACTTCACGGGCCGCAACGACGCAAACCCCGAGACCCATGCCTTTGTCA[C>T]GTCCCCAGAGGTGAGACTGCCCAGCTGCGCACAAGCCTGGGATGGCCTCTGGGGGTCCCT-3'
Protein context (NP_001089.1, residues 481-501): DANPETHAFV[Thr491Met]SPEIVTALAI

ClinVar aggregate classification (germline): Uncertain significance (1 of 4 stars; one submission).

Allele frequency attached by ClinVar (database versions not stated): ExAC 0.00001; gnomAD 0.00001.
gnomAD v4.1: 7 of 1,613,120 alleles (0.00043%); highest among the groups gnomAD compares: East Asian, 0.0045%; no homozygotes.

Submission:

Labcorp Genetics (formerly Invitae), Labcorp
Classification: Uncertain significance. Last evaluated: 2022-08-23. Review status: criteria provided, single submitter. Criteria: Invitae Variant Classification Sherloc (09022015). Collection method: clinical testing. Allele origin: germline.
Comment: Advanced modeling of protein sequence and biophysical properties (such as structural, functional, and spatial information, amino acid conservation, physicochemical variation, residue mobility, and thermodynamic stability) performed at Invitae indicates that this missense variant is expected to disrupt ACO2 protein function. This variant has not been reported in the literature in individuals affected with ACO2-related conditions. This variant is present in population databases (rs746532454, gnomAD 0.004%). This sequence change replaces threonine, which is neutral and polar, with methionine, which is neutral and non-polar, at codon 491 of the ACO2 protein (p.Thr491Met). In summary, the available evidence is currently insufficient to determine the role of this variant in disease. Therefore, it has been classified as a Variant of Uncertain Significance.